The following is an entry in ClinVar:

ClinVar aggregate classification (germline): Pathogenic (1 of 4 stars; one submission).

Submission:

Labcorp Genetics (formerly Invitae), Labcorp
Classification: Pathogenic. Last evaluated: 2022-12-18. Review status: criteria provided, single submitter. Criteria: Invitae Variant Classification Sherloc (09022015). Collection method: clinical testing. Allele origin: germline.
Comment: For these reasons, this variant has been classified as Pathogenic. This variant has not been reported in the literature in individuals affected with MICU1-related conditions. This variant is a gross deletion of the genomic region encompassing exon(s) 10-11 of the MICU1 gene. This deletion is out-of-frame, and is expected to create a premature termination codon and result in an absent or disrupted protein product. Loss-of-function variants in MICU1 are known to be pathogenic (PMID: 24336167).

Literature cited by the submitters: PubMed 24336167.

NC_000010.10:g.(?_74167667)_(74183149_?)del

Gene: MICU1 (mitochondrial calcium uptake 1; minus strand). Cytogenetic location: 10q22.1.
Variant type: Deletion.
Identifiers: ClinVar variation 2425505 (VCV002425505.4).